The following is an entry in ClinVar:

NM_002878.4(RAD51D):c.879G>A (p.Ala293=)

Genes: RAD51D (RAD51 paralog D; minus strand), RAD51L3-RFFL (RAD51L3-RFFL readthrough; minus strand). Cytogenetic location: 17q12.
Variant type: single nucleotide variant.
Coding change: c.879G>A on transcript NM_002878.4 (MANE Select); coding-DNA position 879, G replaced by A.
Protein change: p.Ala293=; no amino-acid change (alanine 293 retained).
Molecular consequence: synonymous variant. On other transcripts: non-coding transcript variant (3).
Genome position (GRCh38, 1-based): chr17:35,101,225, C>T on the plus strand (G>A on the coding strand, the complement: RAD51D is on the minus strand). VCF-style: chr17-35101225-C-T. GRCh37 (hg19) VCF-style: chr17-33428244-C-T.
Other names: c.939G>A, p.Ala313= (NM_001142571.2); c.543G>A, p.Ala181= (NM_133629.3).
Identifiers: ClinVar variation 186175 (VCV000186175.22), dbSNP rs368209468, ClinGen allele CA194067.

ClinVar aggregate classification (germline): Conflicting classifications of pathogenicity. Review status: criteria provided, conflicting classifications (1 of 4 stars). 9 submissions from 9 submitters: Uncertain significance (1); Benign (1); Likely benign (7). Last evaluated 2026-01-02.

Conditions:
Hereditary cancer-predisposing syndrome. Also called: Hereditary neoplastic syndrome; Neoplastic Syndromes, Hereditary; Tumor predisposition; Hereditary Cancer Syndrome. Identifiers: Orphanet 140162, MedGen C0027672, MeSH D009386, MONDO:0015356.
Breast-ovarian cancer, familial, susceptibility to, 4. Identifiers: Orphanet 145, MedGen C3280345, MONDO:0013669, OMIM 614291.

Allele frequency attached by ClinVar (database versions not stated): gnomAD 0.00003; ESP Exome Variant Server 0.00008; TOPMed 0.00008.
gnomAD v4.1: 224 of 1,614,012 alleles (0.014%); highest among the groups gnomAD compares: Non-Finnish European, 0.018%; no homozygotes.

Submissions (9):

Labcorp Genetics (formerly Invitae), Labcorp
Classification: Likely benign for Breast-ovarian cancer, familial, susceptibility to, 4. Last evaluated: 2026-01-02. Review status: criteria provided, single submitter. Criteria: Invitae Variant Classification Sherloc (09022015). Collection method: clinical testing. Allele origin: germline.

Myriad Genetics, Inc.
Classification: Benign for Breast-ovarian cancer, familial, susceptibility to, 4. Last evaluated: 2025-02-25. Review status: criteria provided, single submitter. Criteria: Myriad Autosomal Dominant, Autosomal Recessive and X-Linked Classification Criteria (2023). Collection method: clinical testing. Allele origin: unknown.
Comment: This variant is considered benign. This variant is a silent/synonymous amino acid change and it is not expected to impact splicing.

Molecular Diagnostics Laboratory, Catalan Institute of Oncology
Classification: Likely benign for Hereditary cancer-predisposing syndrome. Last evaluated: 2024-11-24. Review status: criteria provided, single submitter. Criteria: ACMG Guidelines, 2015. Collection method: clinical testing. Allele origin: germline.
Comment: BP4, BP7 c.879G>A, located in exon 9 of the RAD51D gene, is predicted to result in no amino acid change, p.(Ala293=) (BP7). This variant is found in 10/268300 alleles at a frequency of 0.003% in the gnomAD v2.1.1 database, non-cancer dataset. SpliceAI algorithm predicts no significant impact on splicing (BP4). To our knowledge, no well-established functional studies have been reported for this variant. This variant has been found in at least 2 ovarian cancer patients from the literature (PMID: 23372765 and 24130102). This variant has been reported in the ClinVar database (6x likely benign) and in LOVD (3x likely benign, 2x VUS). Based on currently available information, the variant c.879G>A should be considered a likely benign variant, according to ACMG/AMP classification guidelines.

Department of Pathology and Laboratory Medicine, Sinai Health System
Classification: Uncertain significance for Breast-ovarian cancer, familial, susceptibility to, 4. Last evaluated: 2024-09-16. Review status: criteria provided, single submitter. Criteria: ACMG Guidelines, 2015. Collection method: clinical testing. Allele origin: germline.

Sema4
Classification: Likely benign for Hereditary cancer-predisposing syndrome. Last evaluated: 2021-09-12. Review status: criteria provided, single submitter. Criteria: Sema4 Curation Guidelines. Collection method: curation. Allele origin: germline.

Women's Health and Genetics/Laboratory Corporation of America, LabCorp
Classification: Likely benign. Last evaluated: 2021-03-31. Review status: criteria provided, single submitter. Criteria: LabCorp Variant Classification Summary - May 2015. Collection method: clinical testing. Allele origin: germline.

GeneDx
Classification: Likely benign. Last evaluated: 2020-12-23. Review status: criteria provided, single submitter. Criteria: GeneDx Variant Classification Process June 2021. Collection method: clinical testing. Allele origin: germline. Affected: yes.
Comment: This variant is associated with the following publications: (PMID: 23372765, 24130102)

Color Diagnostics, LLC DBA Color Health
Classification: Likely benign for Hereditary cancer-predisposing syndrome. Last evaluated: 2015-12-02. Review status: criteria provided, single submitter. Criteria: ACMG Guidelines, 2015. Collection method: clinical testing. Allele origin: germline.

Ambry Genetics
Classification: Likely benign for Hereditary cancer-predisposing syndrome. Last evaluated: 2014-09-09. Review status: criteria provided, single submitter. Criteria: Ambry Variant Classification Scheme 2023. Collection method: clinical testing. Allele origin: germline.

Literature cited by the submitters: PubMed 23372765 (cited by Sema4 and Ambry Genetics); PubMed 24130102 (cited by Ambry Genetics).